The following is an entry in ClinVar:

NM_000268.4(NF2):c.1357C>G (p.Gln453Glu)

Gene: NF2 (NF2, moesin-ezrin-radixin like (MERLIN) tumor suppressor; plus strand). Cytogenetic location: 22q12.2.
Variant type: single nucleotide variant.
Coding change: c.1357C>G on transcript NM_000268.4 (MANE Select); coding-DNA position 1357, C replaced by G.
Protein change: p.Gln453Glu; replaces glutamine 453 with glutamic acid.
Molecular consequence: missense variant. On other transcripts: non-coding transcript variant (1), intron variant (1).
Genome position (GRCh38, 1-based): chr22:29,674,852, C>G. VCF-style: chr22-29674852-C-G. GRCh37 (hg19) VCF-style: chr22-30070841-C-G.
Other names: c.1357C>G, p.Gln453Glu (NM_016418.5, NM_181825.3, NM_181832.3); c.1231C>G, p.Gln411Glu (NM_181828.3); c.1234C>G, p.Gln412Glu (NM_181829.3); c.1108C>G, p.Gln370Glu (NM_181830.3, NM_181831.3); c.448-19900C>G (NM_181833.3); short protein forms Q453E, Q411E, Q412E, Q370E.
Identifiers: ClinVar variation 527698 (VCV000527698.10), dbSNP rs1556001358, ClinGen allele CA411148854.

ClinVar aggregate classification (germline): Uncertain significance. Review status: criteria provided, multiple submitters, no conflicts (2 of 4 stars). 2 submissions from 2 submitters: Uncertain significance (2). Last evaluated 2025-01-26.

Conditions:
Hereditary cancer-predisposing syndrome. Also called: Tumor predisposition; Hereditary neoplastic syndrome; Neoplastic Syndromes, Hereditary; Hereditary Cancer Syndrome. Identifiers: Orphanet 140162, MedGen C0027672, MeSH D009386, MONDO:0015356.
Neurofibromatosis, type 2 (SWNV). Also called: NF2-Related Schwannomatosis; BILATERAL ACOUSTIC NEUROFIBROMATOSIS; SCHWANNOMATOSIS, VESTIBULAR. Identifiers: Orphanet 637, MedGen C0027832, MONDO:0007039, OMIM 101000. Disease mechanism: loss of function.

Allele frequency attached by ClinVar (database versions not stated): gnomAD exomes 0.00001.
gnomAD v4.1: 8 of 1,560,156 alleles (0.00051%); highest among the groups gnomAD compares: South Asian, 0.0095%; no homozygotes.

Submissions (2):

Labcorp Genetics (formerly Invitae), Labcorp
Classification: Uncertain significance for Neurofibromatosis, type 2. Last evaluated: 2025-01-26. Review status: criteria provided, single submitter. Criteria: Invitae Variant Classification Sherloc (09022015). Collection method: clinical testing. Allele origin: germline.
Comment: This sequence change replaces glutamine, which is neutral and polar, with glutamic acid, which is acidic and polar, at codon 453 of the NF2 protein (p.Gln453Glu). This variant is not present in population databases (gnomAD no frequency). This variant has not been reported in the literature in individuals affected with NF2-related conditions. ClinVar contains an entry for this variant (Variation ID: 527698). Invitae Evidence Modeling of protein sequence and biophysical properties (such as structural, functional, and spatial information, amino acid conservation, physicochemical variation, residue mobility, and thermodynamic stability) indicates that this missense variant is not expected to disrupt NF2 protein function with a negative predictive value of 80%. In summary, the available evidence is currently insufficient to determine the role of this variant in disease. Therefore, it has been classified as a Variant of Uncertain Significance.

Ambry Genetics
Classification: Uncertain significance for Hereditary cancer-predisposing syndrome. Last evaluated: 2023-05-30. Review status: criteria provided, single submitter. Criteria: Ambry Variant Classification Scheme 2023. Collection method: clinical testing. Allele origin: germline.
Comment: The p.Q453E variant (also known as c.1357C>G), located in coding exon 13 of the NF2 gene, results from a C to G substitution at nucleotide position 1357. The glutamine at codon 453 is replaced by glutamic acid, an amino acid with highly similar properties. This amino acid position is well conserved in available vertebrate species. In addition, the in silico prediction for this alteration is inconclusive. Since supporting evidence is limited at this time, the clinical significance of this alteration remains unclear.